The following is an entry in ClinVar:

ClinVar aggregate classification (germline): Pathogenic (1 of 4 stars; one submission).

Conditions:
Autoimmune lymphoproliferative syndrome type 1. Also called: AUTOIMMUNE LYMPHOPROLIFERATIVE SYNDROME, TYPE I, AUTOSOMAL DOMINANT. Identifiers: Orphanet 3261, MedGen C2717884, MONDO:0011158, OMIM 601859.

Submission:

Labcorp Genetics (formerly Invitae), Labcorp
Classification: Pathogenic for Autoimmune lymphoproliferative syndrome. Last evaluated: 2022-12-13. Review status: criteria provided, single submitter. Criteria: Invitae Variant Classification Sherloc (09022015). Collection method: clinical testing. Allele origin: germline.
Comment: For these reasons, this variant has been classified as Pathogenic. This variant disrupts a region of the FAS protein in which other variant(s) (p.Gln273*) have been determined to be pathogenic (PMID: 7540117). This suggests that this is a clinically significant region of the protein, and that variants that disrupt it are likely to be disease-causing. This variant has not been reported in the literature in individuals affected with FAS-related conditions. This variant is not present in population databases (gnomAD no frequency). This sequence change creates a premature translational stop signal (p.Ile259*) in the FAS gene. While this is not anticipated to result in nonsense mediated decay, it is expected to disrupt the last 77 amino acid(s) of the FAS protein.

Literature cited by the submitters: PubMed 7540117.

NM_000043.6(FAS):c.775del (p.Lys258_Ile259insTer)

Gene: FAS (Fas cell surface death receptor; plus strand). Cytogenetic location: 10q23.31.
Variant type: Deletion.
Coding change: c.775del on transcript NM_000043.6 (MANE Select); coding-DNA position 775, one base deleted (A; older notation c.775delA).
Protein change: p.Lys258_Ile259insTer.
Molecular consequence: nonsense. On other transcripts: 3 prime UTR variant (2), non-coding transcript variant (7).
Genome position (GRCh38, 1-based): chr10:89,014,217, A deleted; the last of 4 consecutive A bases (chr10:89,014,214-89,014,217); deleting any one gives the same sequence. VCF-style (leftmost placement, unchanged base first): chr10-89014213-CA-C. GRCh37 (hg19) VCF-style: chr10-90773970-CA-C.
Other names: c.*98del (NM_001320619.2); c.820del, p.Lys273_Ile274insTer (NM_001410956.1); c.712del, p.Lys237_Ile238insTer (NM_152871.4); c.*87del (NM_152872.4).
Identifiers: ClinVar variation 2959350 (VCV002959350.3), dbSNP rs2495225078, ClinGen allele CA2695212386.